The following is an entry in ClinVar:

NM_198576.4(AGRN):c.1995G>T (p.Glu665Asp)

Gene: AGRN (agrin; plus strand). Cytogenetic location: 1p36.33.
Variant type: single nucleotide variant.
Coding change: c.1995G>T on transcript NM_198576.4 (MANE Select); coding-DNA position 1995, G replaced by T.
Protein change: p.Glu665Asp; replaces glutamic acid 665 with aspartic acid.
Molecular consequence: missense variant.
Genome position (GRCh38, 1-based): chr1:1,044,019, G>T. VCF-style: chr1-1044019-G-T. GRCh37 (hg19) VCF-style: chr1-979399-G-T.
Other names: c.1995G>T, p.Glu665Asp (NM_001305275.2); c.1680G>T, p.Glu560Asp (NM_001364727.2); short protein forms E665D, E560D.
Identifiers: ClinVar variation 541170 (VCV000541170.6), dbSNP rs752339788, ClinGen allele CA508407.

ClinVar aggregate classification (germline): Uncertain significance (1 of 4 stars; one submission).

Conditions:
Congenital myasthenic syndrome 8. Also called: MYASTHENIC SYNDROME, CONGENITAL, DUE TO AGRIN DEFICIENCY; Myasthenic syndrome, congenital, 8, with pre- and postsynaptic defects. Identifiers: Orphanet 590, MedGen C3808739, MONDO:0014052, OMIM 615120.

Allele frequency attached by ClinVar (database versions not stated): ExAC 0.00001; gnomAD exomes 0.00001; TOPMed 0.00001; gnomAD 0.00002.
gnomAD v4.1: 14 of 1,609,460 alleles (0.00087%); highest among the groups gnomAD compares: African/African-American, 0.0027%; no homozygotes.

Submission:

Labcorp Genetics (formerly Invitae), Labcorp
Classification: Uncertain significance for Congenital myasthenic syndrome 8. Last evaluated: 2022-10-17. Review status: criteria provided, single submitter. Criteria: Invitae Variant Classification Sherloc (09022015). Collection method: clinical testing. Allele origin: germline.
Comment: This sequence change replaces glutamic acid, which is acidic and polar, with aspartic acid, which is acidic and polar, at codon 665 of the AGRN protein (p.Glu665Asp). This variant is present in population databases (rs752339788, gnomAD 0.002%). This variant has not been reported in the literature in individuals affected with AGRN-related conditions. ClinVar contains an entry for this variant (Variation ID: 541170). Algorithms developed to predict the effect of missense changes on protein structure and function are either unavailable or do not agree on the potential impact of this missense change (SIFT: "Deleterious"; PolyPhen-2: "Possibly Damaging"; Align-GVGD: "Class C0"). In summary, the available evidence is currently insufficient to determine the role of this variant in disease. Therefore, it has been classified as a Variant of Uncertain Significance.